The following is an entry in ClinVar:

NM_006506.5(RASA2):c.944A>G (p.Tyr315Cys)

Gene: RASA2 (RAS p21 protein activator 2; plus strand). Cytogenetic location: 3q23.
Variant type: single nucleotide variant.
Coding change: c.944A>G on transcript NM_006506.5 (MANE Select); coding-DNA position 944, A replaced by G.
Protein change: p.Tyr315Cys; replaces tyrosine 315 with cysteine.
Molecular consequence: missense variant.
Genome position (GRCh38, 1-based): chr3:141,570,992, A>G. VCF-style: chr3-141570992-A-G. GRCh37 (hg19) VCF-style: chr3-141289834-A-G.
Other names: c.944A>G, p.Tyr315Cys (NM_001303245.3, NM_001303246.3); short protein forms Y315C.
Identifiers: ClinVar variation 1433572 (VCV001433572.8), dbSNP rs915470548, ClinGen allele CA354775296.
Genomic context (GRCh38, chr3:141,570,992, plus strand): 5'-ACAATGGAAACAAGTCATCCAAAACTGATGACCTGGGGTCTCTTCGATTAAATATATGTT[A>G]TACAGAAGACTACGTGCTTCCTTCAGAGTACTATGGTCCTTTGAAAACTTTGCTGCTAAA-3'
Protein context (NP_006497.2, residues 305-325): DLGSLRLNIC[Tyr315Cys]TEDYVLPSEY

ClinVar aggregate classification (germline): Uncertain significance (1 of 4 stars; one submission).

Submission:

Labcorp Genetics (formerly Invitae), Labcorp
Classification: Uncertain significance. Last evaluated: 2021-09-08. Review status: criteria provided, single submitter. Criteria: Invitae Variant Classification Sherloc (09022015). Collection method: clinical testing. Allele origin: germline.
Comment: This sequence change replaces tyrosine with cysteine at codon 315 of the RASA2 protein (p.Tyr315Cys). The tyrosine residue is highly conserved and there is a large physicochemical difference between tyrosine and cysteine. This variant is not present in population databases (ExAC no frequency). This variant has not been reported in the literature in individuals with RASA2-related conditions. Algorithms developed to predict the effect of missense changes on protein structure and function are either unavailable or do not agree on the potential impact of this missense change (SIFT: "Deleterious"; PolyPhen-2: "Probably Damaging"; Align-GVGD: "Class C15"). In summary, the available evidence is currently insufficient to determine the role of this variant in disease. Therefore, it has been classified as a Variant of Uncertain Significance.